The following is an entry in ClinVar:

ClinVar aggregate classification (germline): Uncertain significance (1 of 4 stars; one submission).

Conditions:
Pyruvate dehydrogenase E2 deficiency (PDHDD). Also called: Dihydrolipoamide Acetyltransferase (E2) Deficiency; LACTIC ACIDEMIA DUE TO DEFECT OF E2 LIPOYL TRANSACETYLASE OF THE PYRUVATE DEHYDROGENASE COMPLEX. Identifiers: Orphanet 765, Orphanet 79244, MedGen C1855565, MONDO:0009502, OMIM 245348.

Submission:

Labcorp Genetics (formerly Invitae), Labcorp
Classification: Uncertain significance for Pyruvate dehydrogenase E2 deficiency. Last evaluated: 2022-08-16. Review status: criteria provided, single submitter. Criteria: Invitae Variant Classification Sherloc (09022015). Collection method: clinical testing. Allele origin: germline.
Comment: This sequence change replaces valine, which is neutral and non-polar, with leucine, which is neutral and non-polar, at codon 623 of the DLAT protein (p.Val623Leu). This variant is not present in population databases (gnomAD no frequency). This variant has not been reported in the literature in individuals affected with DLAT-related conditions. Advanced modeling of protein sequence and biophysical properties (such as structural, functional, and spatial information, amino acid conservation, physicochemical variation, residue mobility, and thermodynamic stability) performed at Invitae indicates that this missense variant is not expected to disrupt DLAT protein function. In summary, the available evidence is currently insufficient to determine the role of this variant in disease. Therefore, it has been classified as a Variant of Uncertain Significance.

NM_001931.5(DLAT):c.1867G>C (p.Val623Leu)

Genes: DLAT (dihydrolipoamide S-acetyltransferase; plus strand), PIH1D2 (PIH1 domain containing 2; minus strand). Cytogenetic location: 11q23.1.
Variant type: single nucleotide variant.
Coding change: c.1867G>C on transcript NM_001931.5 (MANE Select); coding-DNA position 1867, G replaced by C.
Protein change: p.Val623Leu; replaces valine 623 with leucine.
Molecular consequence: missense variant. On other transcripts: non-coding transcript variant (1).
Genome position (GRCh38, 1-based): chr11:112,062,458, G>C. VCF-style: chr11-112062458-G-C. GRCh37 (hg19) VCF-style: chr11-111933182-G-C.
Other names: c.1885G>C, p.Val629Leu (NM_001372031.1); c.1861G>C, p.Val621Leu (NM_001372032.1); c.1846G>C, p.Val616Leu (NM_001372033.1); c.1834G>C, p.Val612Leu (NM_001372034.1); c.1759G>C, p.Val587Leu (NM_001372035.1); c.1741G>C, p.Val581Leu (NM_001372036.1); c.1699G>C, p.Val567Leu (NM_001372037.1); c.1588G>C, p.Val530Leu (NM_001372038.1); and 4 more; short protein forms V567L, V518L, V612L, V616L, V623L, V629L, V482L, V496L.
Identifiers: ClinVar variation 1897301 (VCV001897301.5), dbSNP rs2135176047, ClinGen allele CA382620018.